The following is an entry in ClinVar:

NM_206933.4(USH2A):c.11095G>T (p.Glu3699Ter)

Gene: USH2A (usherin; minus strand). Cytogenetic location: 1q41.
Variant type: single nucleotide variant.
Coding change: c.11095G>T on transcript NM_206933.4 (MANE Select); coding-DNA position 11095, G replaced by T.
Protein change: p.Glu3699Ter; replaces glutamic acid 3699 with a stop codon.
Molecular consequence: nonsense.
Genome position (GRCh38, 1-based): chr1:215,759,796, C>A on the plus strand (G>T on the coding strand, the complement: USH2A is on the minus strand). VCF-style: chr1-215759796-C-A. GRCh37 (hg19) VCF-style: chr1-215933138-C-A.
Other names: short protein forms E3699*.
Identifiers: ClinVar variation 961710 (VCV000961710.11), dbSNP rs755804518, ClinGen allele CA344823135.

ClinVar aggregate classification (germline): Pathogenic/Likely pathogenic. Review status: criteria provided, multiple submitters, no conflicts (2 of 4 stars). 5 submissions from 5 submitters: Pathogenic (4); Likely pathogenic (1). Last evaluated 2025-02-17.

Conditions:
USH2A-related disorder. Also called: USH2A-related disorders; USH2A-related condition. Identifiers: MedGen CN239332.
Retinitis pigmentosa 39 (RP39). Identifiers: Orphanet 791, MedGen C3151138, MONDO:0013436, OMIM 613809.
Usher syndrome type 2A. Also called: RETINAL DISEASE IN USHER SYNDROME TYPE IIA, MODIFIER OF; USHER SYNDROME, TYPE IIA. Identifiers: Orphanet 231178, Orphanet 886, MedGen C1848634, MONDO:0010169, OMIM 276901.

Submissions (5):

PreventionGenetics, part of Exact Sciences
Classification: Pathogenic for USH2A-related condition. Last evaluated: 2025-02-17. Review status: criteria provided, single submitter. Criteria: ACMG Guidelines, 2015. Collection method: clinical testing. Allele origin: germline.
Comment: The USH2A c.11095G>T variant is predicted to result in premature protein termination (p.Glu3699*). This variant was reported in the homozygous state in an individual with Usher syndrome (Table S1, Baux et al. 2014. PubMed ID: 24944099). This variant has not been reported in a large population database (gnomAD), indicating this variant is rare. Nonsense variants in USH2A are expected to be pathogenic. This variant is interpreted as pathogenic.

Fulgent Genetics
Classification: Likely pathogenic for Usher syndrome type 2A; Retinitis pigmentosa 39. Last evaluated: 2024-01-24. Review status: criteria provided, single submitter. Criteria: ACMG Guidelines, 2015. Collection method: clinical testing. Allele origin: germline.

Labcorp Genetics (formerly Invitae), Labcorp
Classification: Pathogenic. Last evaluated: 2023-12-02. Review status: criteria provided, single submitter. Criteria: Invitae Variant Classification Sherloc (09022015). Collection method: clinical testing. Allele origin: germline.
Comment: This sequence change creates a premature translational stop signal (p.Glu3699*) in the USH2A gene. It is expected to result in an absent or disrupted protein product. Loss-of-function variants in USH2A are known to be pathogenic (PMID: 10729113, 10909849, 20507924, 25649381). This variant is not present in population databases (gnomAD no frequency). This premature translational stop signal has been observed in individual(s) with Usher syndrome (PMID: 24944099). ClinVar contains an entry for this variant (Variation ID: 961710). For these reasons, this variant has been classified as Pathogenic.

Genome-Nilou Lab
Classification: Pathogenic for Usher syndrome type 2A. Last evaluated: 2023-11-04. Review status: criteria provided, single submitter. Criteria: ACMG Guidelines, 2015. Collection method: clinical testing. Allele origin: germline. Affected: no.

Mendelics
Classification: Pathogenic for Usher syndrome type 2A. Last evaluated: 2022-05-04. Review status: criteria provided, single submitter. Criteria: Mendelics Assertion Criteria 2019. Collection method: clinical testing. Allele origin: germline.

Literature cited by the submitters: PubMed 10729113 (cited by Labcorp Genetics (formerly Invitae), Labcorp); PubMed 10909849 (cited by Labcorp Genetics (formerly Invitae), Labcorp); PubMed 20507924 (cited by Labcorp Genetics (formerly Invitae), Labcorp); PubMed 25649381 (cited by Labcorp Genetics (formerly Invitae), Labcorp); PubMed 24944099 (cited by Labcorp Genetics (formerly Invitae), Labcorp).